The following is an entry in ClinVar:

ClinVar aggregate classification (germline): Pathogenic/Likely pathogenic. Review status: criteria provided, multiple submitters, no conflicts (2 of 4 stars). 9 submissions from 9 submitters: Pathogenic (6); Likely pathogenic (2). 1 of the submissions does not count toward it. Last evaluated 2025-10-10.

Conditions:
Sandhoff disease. Also called: Beta-hexosaminidase-beta-subunit deficiency; GM2 gangliosidosis, type 2; Total hexosaminidase deficiency; Sandhoff-Jatzkewitz-Pilz disease; GM2-GANGLIOSIDOSIS, TYPE II; HEXOSAMINIDASES A AND B DEFICIENCY. Identifiers: Orphanet 796, MedGen C0036161, MONDO:0010006, OMIM 268800.

Allele frequency attached by ClinVar (database versions not stated): gnomAD exomes below 0.00001; gnomAD 0.00005 and 0.00004.
gnomAD v4.1: 13 of 1,552,728 alleles (0.00084%); highest among the groups gnomAD compares: Middle Eastern, 0.073%; no homozygotes.

Submissions (9):

Natera, Inc.
Classification: Pathogenic for Sandhoff disease. Last evaluated: 2025-10-10. Review status: criteria provided, single submitter. Criteria: Natera Variant Classification Schema (03/2026). Collection method: clinical testing. Allele origin: germline.
Comment: The c.1082+5G>A variant in HEXB is an intronic variant located outside the canonical splice sites. This variant is rare in the general population with a frequency below the threshold expected for the associated phenotype(s). This variant has been observed in one or more individuals affected with the associated recessive disease, as either homozygous or compound heterozygous with a second variant (PMID: 30548430, 22789865, 22848519). Computational prediction algorithms indicate this variant is likely to affect gene or protein function. Given the available evidence, this variant is classified as Pathogenic.

Dasa
Classification: Pathogenic. Last evaluated: 2025-08-06. Review status: criteria provided, single submitter. Criteria: DASA Assertion Criteria. Collection method: clinical testing. Allele origin: germline.
Comment: NM_000521.4(HEXB):c.1082+5G>A affects a splice region adjacent to a canonical site and is predicted to alter RNA splicing. Functional studies support a damaging effect on enzyme activity (PMIDs: 17576681, 22848519). The variant has been reported in individuals with Sandhoff disease and is present at low frequency in population datasets. Based on the available data, this variant is classified as pathogenic.

First Genomix Gene Laboratory, Genetic Diagnostics Department
Classification: Pathogenic for Sandhoff disease. Last evaluated: 2025-07-31. Review status: criteria provided, single submitter. Criteria: ACMG Guidelines, 2015. Collection method: clinical testing. Allele origin: germline. Inheritance: Autosomal recessive inheritance. Affected: no. Observed: 1 variant allele.

Labcorp Genetics (formerly Invitae), Labcorp
Classification: Pathogenic for Sandhoff disease. Last evaluated: 2024-01-24. Review status: criteria provided, single submitter. Criteria: Invitae Variant Classification Sherloc (09022015). Collection method: clinical testing. Allele origin: germline.
Comment: This sequence change falls in intron 8 of the HEXB gene. It does not directly change the encoded amino acid sequence of the HEXB protein. It affects a nucleotide within the consensus splice site. The frequency data for this variant in the population databases is considered unreliable, as metrics indicate poor data quality at this position in the gnomAD database. This variant has been observed in individual(s) with Sandhoff disease (PMID: 22789865, 22848519, 30548430). ClinVar contains an entry for this variant (Variation ID: 354135). Variants that disrupt the consensus splice site are a relatively common cause of aberrant splicing (PMID: 17576681, 9536098). Studies have shown that this variant alters mRNA splicing and is expected to lead to the loss of protein expression (PMID: 22848519). For these reasons, this variant has been classified as Pathogenic.

Revvity Omics, Revvity
Classification: Likely pathogenic for Sandhoff disease. Last evaluated: 2023-06-06. Review status: criteria provided, single submitter. Criteria: ACMG Guidelines, 2015. Collection method: clinical testing. Allele origin: germline.

Women's Health and Genetics/Laboratory Corporation of America, LabCorp
Classification: Pathogenic for Sandhoff disease. Last evaluated: 2022-05-24. Review status: criteria provided, single submitter. Criteria: LabCorp Variant Classification Summary - May 2015. Collection method: clinical testing. Allele origin: germline.
Comment: Variant summary: HEXB c.1082+5G>A alters a conserved nucleotide located close to a canonical splice site and therefore could affect mRNA splicing, leading to a significantly altered protein sequence. Several computational tools predict a significant impact on normal splicing: Two predict the variant abolishes a 5' splicing donor site and one predicts the variant weakens a 5' donor site. This has been experimentally validated via a minigene splicing assay, which reported the variant caused loss of 178 nucleotides in exon 8, resulting in a frameshift (p.G301_W361delfsX10, Zampieri_2012). The variant allele was found at a frequency of 4e-06 in 250056 control chromosomes (gnomAD). c.1082+5G>A has been reported in the literature in multiple compound heterozygous and homozygous individuals affected with Sandhoff Disease (Zampieri_2012, Gort_2012, Gheldof_2019, Bertoli-Avella_2021). These data indicate that the variant is very likely to be associated with disease. Four ClinVar submitters have assessed the variant since 2014: two classified the variant as likely pathogenic and two as pathogenic. Based on the evidence outlined above, the variant was classified as pathogenic.

Illumina Laboratory Services, Illumina
Classification: Likely pathogenic for Sandhoff disease. Last evaluated: 2016-08-16. Review status: criteria provided, single submitter. Criteria: ICSL Variant Classification Criteria 09 May 2019. Collection method: clinical testing. Allele origin: germline.
Comment: The HEXB c.1082+5G>A splice region variant has been reported in two individuals with Sandhoff disease, including one homozygote and one compound heterozygote (Zampieri et al. 2012; Chiricozzi et al. 2013). Control data are unavailable for this variant, which is not found in the 1000 Genomes Project, the Exome Sequencing Project, or the Exome Aggregation Consortium. In silico analysis and in vitro functional studies demonstrated that the c.1082+5G>A variant produces a shorter transcript that lacks exon 8, and this leads to a frameshift and the generation of a premature stop codon (Zampieri et al. 2012). Based on the evidence, the c.1082+5G>A variant is classified as likely pathogenic for Sandhoff disease. This variant was observed by ICSL as part of a predisposition screen in an ostensibly healthy population.

CENTOGENE GmbH and LLC - Guiding Precision Medicine
Classification: Pathogenic for Sandhoff disease. Review status: criteria provided, single submitter. Criteria: ACMG Guidelines, 2015. Collection method: clinical testing. Allele origin: germline. Affected: yes.

Counsyl
Classification: Likely pathogenic for Sandhoff disease. Last evaluated: 2018-11-07. Review status: no assertion criteria provided. Collection method: clinical testing. Allele origin: unknown. Not counted in ClinVar's aggregate classification.

Literature cited by the submitters: PubMed 30548430 (cited by 4 submitters); PubMed 22789865 (cited by 5 submitters); PubMed 22848519 (cited by 6 submitters); PubMed 17576681 (cited by Dasa and Labcorp Genetics (formerly Invitae), Labcorp); PubMed 32860008 (cited by 3 submitters); PubMed 9536098 (cited by Labcorp Genetics (formerly Invitae), Labcorp); PubMed 24356898 (cited by Illumina Laboratory Services, Illumina and Counsyl).

NM_000521.4(HEXB):c.1082+5G>A

Gene: HEXB (hexosaminidase subunit beta; plus strand). Cytogenetic location: 5q13.3.
Variant type: single nucleotide variant.
Coding change: c.1082+5G>A on transcript NM_000521.4 (MANE Select); 5 bases into the intron after coding-DNA position 1082, G replaced by A.
Molecular consequence: intron variant.
Genome position (GRCh38, 1-based): chr5:74,715,695, G>A. VCF-style: chr5-74715695-G-A. GRCh37 (hg19) VCF-style: chr5-74011520-G-A.
Other names: c.407+5G>A (NM_001292004.2).
Identifiers: ClinVar variation 354135 (VCV000354135.22), dbSNP rs5030731, ClinGen allele CA10622141.